The following is an entry in ClinVar:

ClinVar aggregate classification (germline): Pathogenic (1 of 4 stars; one submission).

Conditions:
Developmental and epileptic encephalopathy 94 (DEE94). Also called: CHD2-Related Neurodevelopmental Disorders; Epileptic encephalopathy, childhood-onset. Identifiers: Orphanet 1942, Orphanet 2382, MedGen C3809278, MONDO:0014150, OMIM 615369.

Submission:

Labcorp Genetics (formerly Invitae), Labcorp
Classification: Pathogenic for Developmental and epileptic encephalopathy 94. Last evaluated: 2024-12-19. Review status: criteria provided, single submitter. Criteria: Invitae Variant Classification Sherloc (09022015). Collection method: clinical testing. Allele origin: germline.
Comment: This sequence change creates a premature translational stop signal (p.Glu133*) in the CHD2 gene. It is expected to result in an absent or disrupted protein product. Loss-of-function variants in CHD2 are known to be pathogenic (PMID: 23708187, 24207121). This variant is not present in population databases (gnomAD no frequency). This variant has not been reported in the literature in individuals affected with CHD2-related conditions. For these reasons, this variant has been classified as Pathogenic.

Literature cited by the submitters: PubMed 23708187; PubMed 24207121.

NM_001271.4(CHD2):c.395dup (p.Ser132_Glu133insTer)

Gene: CHD2 (chromodomain helicase DNA binding protein 2; plus strand). Cytogenetic location: 15q26.1.
Variant type: Duplication.
Coding change: c.395dup on transcript NM_001271.4 (MANE Select); coding-DNA position 395, one base duplicated (C; older notation c.395dupC).
Protein change: p.Ser132_Glu133insTer.
Molecular consequence: frameshift variant.
Genome position (GRCh38, 1-based): chr15:92,929,043, C duplicated. VCF-style (leftmost placement, unchanged base first): chr15-92929042-T-TC. GRCh37 (hg19) VCF-style: chr15-93472272-T-TC.
Other names: c.395dup, p.Ser132_Glu133insTer (NM_001042572.3).
Identifiers: ClinVar variation 3726970 (VCV003726970.2).
Genomic context (GRCh38, chr15:92,929,042, plus strand): 5'-ACTGTGAATTAAAGTCTGTAATCATTTTTCCCCCCTCACACACTGAAGGCAAGTAGCGGG[T>TC]CTGAGAGTGGGAGCCCAAAAAGAAGAGGCCAGAGGCAGCTGAAAAAACAGTAAGTCTTTC-3'